The following is an entry in ClinVar:

NM_001038603.3(MARVELD2):c.466C>T (p.Arg156Trp)

Gene: MARVELD2 (MARVEL domain containing 2; plus strand). Cytogenetic location: 5q13.2.
Variant type: single nucleotide variant.
Coding change: c.466C>T on transcript NM_001038603.3 (MANE Select); coding-DNA position 466, C replaced by T.
Protein change: p.Arg156Trp; replaces arginine 156 with tryptophan.
Molecular consequence: missense variant.
Genome position (GRCh38, 1-based): chr5:69,419,851, C>T. VCF-style: chr5-69419851-C-T. GRCh37 (hg19) VCF-style: chr5-68715678-C-T.
Other names: c.466C>T, p.Arg156Trp (NM_001244734.2); short protein forms R156W.
Identifiers: ClinVar variation 4685309 (VCV004685309.1).

ClinVar aggregate classification (germline): Uncertain significance (1 of 4 stars; one submission).

Submission:

GeneDx
Classification: Uncertain significance. Last evaluated: 2025-07-11. Review status: criteria provided, single submitter. Criteria: GeneDx Variant Classification Process June 2021. Collection method: clinical testing. Allele origin: germline. Affected: yes.
Comment: In silico analysis suggests that this missense variant does not alter protein structure/function; Has not been previously published as pathogenic or benign to our knowledge